The following is an entry in ClinVar:

ClinVar aggregate classification (germline): Likely pathogenic (1 of 4 stars; one submission).

Conditions:
Dilated cardiomyopathy 1R (CMD1R). Identifiers: Orphanet 154, Orphanet 54260, MedGen C3150681, MONDO:0013261, OMIM 613424.
Hypertrophic cardiomyopathy 11. Also called: ACTC1-Related Familial Hypertrophic Cardiomyopathy. Identifiers: MedGen C2677506, MONDO:0012799, OMIM 612098.
Atrial septal defect 5 (ASD5). Identifiers: Orphanet 1478, MedGen C2748552, MONDO:0013011, OMIM 612794.

Submission:

Juno Genomics, Hangzhou Juno Genomics, Inc
Classification: Likely pathogenic for Atrial septal defect 5; Dilated cardiomyopathy 1R; Hypertrophic cardiomyopathy 11. Review status: criteria provided, single submitter. Criteria: ACMG Guidelines, 2015. Collection method: clinical testing. Allele origin: germline.
Comment: Absent from controls (or at extremely low frequency if recessive) in Genome Aggregation Database.;Multiple lines of computational evidence support a deleterious effect on the gene or gene product.;Missense variant in a gene that has a low rate of benign missense variation.

NM_005159.5(ACTC1):c.766C>T (p.Arg256Cys)

Genes: ACTC1 (actin alpha cardiac muscle 1; minus strand), GJD2-DT (GJD2 divergent transcript; plus strand). Cytogenetic location: 15q14.
Variant type: single nucleotide variant.
Coding change: c.766C>T on transcript NM_005159.5 (MANE Select); coding-DNA position 766, C replaced by T.
Protein change: p.Arg256Cys; replaces arginine 256 with cysteine.
Molecular consequence: missense variant.
Genome position (GRCh38, 1-based): chr15:34,792,132, G>A on the plus strand (C>T on the coding strand, the complement: ACTC1 is on the minus strand). VCF-style: chr15-34792132-G-A. GRCh37 (hg19) VCF-style: chr15-35084333-G-A.
Other names: c.766C>T, p.Arg256Cys (NM_001406482.1, NM_001406483.1); c.631C>T, p.Arg211Cys (NM_001406484.1); c.325C>T, p.Arg109Cys (NM_001406485.1); short protein forms R109C, R211C, R256C.
Identifiers: ClinVar variation 3382680 (VCV003382680.3).